The following is an entry in ClinVar:

NM_001303256.3(MORC2):c.1316T>G (p.Leu439Arg)

Gene: MORC2 (MORC family CW-type zinc finger 2; minus strand). Cytogenetic location: 22q12.2.
Variant type: single nucleotide variant.
Coding change: c.1316T>G on transcript NM_001303256.3 (MANE Select); coding-DNA position 1316, T replaced by G.
Protein change: p.Leu439Arg; replaces leucine 439 with arginine.
Molecular consequence: missense variant.
Genome position (GRCh38, 1-based): chr22:30,937,868, A>C on the plus strand (T>G on the coding strand, the complement: MORC2 is on the minus strand). VCF-style: chr22-30937868-A-C. GRCh37 (hg19) VCF-style: chr22-31333855-A-C.
Other names: c.1316T>G, p.Leu439Arg (NM_001303257.2); c.1130T>G, p.Leu377Arg (NM_014941.3); short protein forms L377R, L439R.
Identifiers: ClinVar variation 1676254 (VCV001676254.2), dbSNP rs2147256472, ClinGen allele CA411238759.

ClinVar aggregate classification (germline): Uncertain significance (1 of 4 stars; one submission).

Conditions:
Developmental delay, impaired growth, dysmorphic facies, and axonal neuropathy. Identifiers: MedGen C5436781, MONDO:0030835, OMIM 619090.

Submission:

Molecular Genetics, Royal Melbourne Hospital
Classification: Uncertain significance for Developmental delay, impaired growth, dysmorphic facies, and axonal neuropathy. Last evaluated: 2021-10-01. Review status: criteria provided, single submitter. Criteria: ACMG Guidelines, 2015. Collection method: clinical testing. Allele origin: germline.
Comment: This sequence change in MORC2 is predicted to replace leucine with arginine at codon 439 (p.(Leu439Arg)). The leucine residue is highly conserved (100 vertebrates, UCSC), and is located in the S5 domain. There is a large physicochemical difference between leucine and arginine. This variant is absent from gnomAD v2.1 and v3.1. To our knowledge, this variant has not been reported in the literature in any individuals with a MORC2-related condition. Multiple lines of computational evidence predict a deleterious effect for the missense substitution (5/6 algorithms). Based on the classification scheme RMH Modified ACMG Guidelines v1.4.0, this variant is classified as a VARIANT OF UNCERTAIN SIGNIFICANCE. Following criteria are met: PM2_Supporting, PP3.